The following is an entry in ClinVar:

NM_006996.3(SLC19A2):c.947C>T (p.Thr316Ile)

Gene: SLC19A2 (solute carrier family 19 member 2; minus strand). Cytogenetic location: 1q24.2.
Variant type: single nucleotide variant.
Coding change: c.947C>T on transcript NM_006996.3 (MANE Select); coding-DNA position 947, C replaced by T.
Protein change: p.Thr316Ile; replaces threonine 316 with isoleucine.
Molecular consequence: missense variant.
Genome position (GRCh38, 1-based): chr1:169,470,047, G>A on the plus strand (C>T on the coding strand, the complement: SLC19A2 is on the minus strand). VCF-style: chr1-169470047-G-A. GRCh37 (hg19) VCF-style: chr1-169439285-G-A.
Other names: c.344C>T, p.Thr115Ile (NM_001319667.1); short protein forms T115I, T316I.
Identifiers: ClinVar variation 2576948 (VCV002576948.2), dbSNP rs768631905, ClinGen allele CA1232977.

ClinVar aggregate classification (germline): Uncertain significance. Review status: criteria provided, multiple submitters, no conflicts (2 of 4 stars). 2 submissions from 2 submitters: Uncertain significance (2). Last evaluated 2024-06-17.

Conditions:
Megaloblastic anemia, thiamine-responsive, with diabetes mellitus and sensorineural deafness (TRMA). Also called: ROGERS SYNDROME; Thiamine-Responsive Megaloblastic Anemia Syndrome; THIAMINE-RESPONSIVE ANEMIA SYNDROME; THIAMINE-RESPONSIVE MYELODYSPLASIA; THIAMINE METABOLISM DYSFUNCTION SYNDROME 1 (MEGALOBLASTIC ANEMIA, DIABETES MELLITUS, AND DEAFNESS TYPE). Identifiers: Orphanet 49827, MedGen C0342287, MONDO:0009575, OMIM 249270.

Allele frequency attached by ClinVar (database versions not stated): gnomAD exomes below 0.00001; ExAC 0.00001; gnomAD 0.00001; TOPMed 0.00001.
gnomAD v4.1: 4 of 1,613,904 alleles (0.00025%); highest among the groups gnomAD compares: African/African-American, 0.0053%; no homozygotes.

Submissions (2):

Fulgent Genetics
Classification: Uncertain significance for Megaloblastic anemia, thiamine-responsive, with diabetes mellitus and sensorineural deafness. Last evaluated: 2024-06-17. Review status: criteria provided, single submitter. Criteria: ACMG Guidelines, 2015. Collection method: clinical testing. Allele origin: germline.

GeneDx
Classification: Uncertain significance. Last evaluated: 2023-02-09. Review status: criteria provided, single submitter. Criteria: GeneDx Variant Classification Process June 2021. Collection method: clinical testing. Allele origin: germline. Affected: yes.
Comment: Not observed at significant frequency in large population cohorts (gnomAD); In silico analysis supports that this missense variant does not alter protein structure/function; Has not been previously published as pathogenic or benign to our knowledge